The following is an entry in ClinVar:

ClinVar aggregate classification (germline): Uncertain significance (1 of 4 stars; one submission).

Conditions:
Emery-Dreifuss muscular dystrophy 5, autosomal dominant (EDMD5). Also called: EMERY-DREIFUSS MUSCULAR DYSTROPHY 5. Identifiers: Orphanet 261, MedGen C2751805, MONDO:0013072, OMIM 612999.

Submission:

Labcorp Genetics (formerly Invitae), Labcorp
Classification: Uncertain significance for Emery-Dreifuss muscular dystrophy 5, autosomal dominant. Last evaluated: 2024-11-13. Review status: criteria provided, single submitter. Criteria: Invitae Variant Classification Sherloc (09022015). Collection method: clinical testing. Allele origin: germline.
Comment: This sequence change replaces serine, which is neutral and polar, with leucine, which is neutral and non-polar, at codon 4826 of the SYNE2 protein (p.Ser4826Leu). This variant is not present in population databases (gnomAD no frequency). This variant has not been reported in the literature in individuals affected with SYNE2-related conditions. An algorithm developed to predict the effect of missense changes on protein structure and function (PolyPhen-2) suggests that this variant is likely to be disruptive. In summary, the available evidence is currently insufficient to determine the role of this variant in disease. Therefore, it has been classified as a Variant of Uncertain Significance.

NM_182914.3(SYNE2):c.14477C>T (p.Ser4826Leu)

Gene: SYNE2 (spectrin repeat containing nuclear envelope protein 2; plus strand). Cytogenetic location: 14q23.2.
Variant type: single nucleotide variant.
Coding change: c.14477C>T on transcript NM_182914.3 (MANE Select); coding-DNA position 14477, C replaced by T.
Protein change: p.Ser4826Leu; replaces serine 4826 with leucine.
Molecular consequence: missense variant.
Genome position (GRCh38, 1-based): chr14:64,132,401, C>T. VCF-style: chr14-64132401-C-T. GRCh37 (hg19) VCF-style: chr14-64599119-C-T.
Other names: c.14477C>T, p.Ser4826Leu (NM_015180.6); short protein forms S4826L.
Identifiers: ClinVar variation 3725166 (VCV003725166.2).